The following is an entry in ClinVar:

NM_004700.4(KCNQ4):c.1044_1051del (p.Ala349Profs)

Gene: KCNQ4 (potassium voltage-gated channel subfamily Q member 4; plus strand). Cytogenetic location: 1p34.2.
Variant type: Deletion.
Coding change: c.1044_1051del on transcript NM_004700.4 (MANE Select); coding-DNA positions 1044 to 1051, 8 bases deleted (TGCCTGGC; older notation c.1044_1051delTGCCTGGC).
Protein change: p.Ala349Profs; shifts the reading frame from alanine 349.
Molecular consequence: splice acceptor variant.
Genome position (GRCh38, 1-based): chr1:40,822,316-40,822,323, TGCCTGGC deleted; deleting any 8 consecutive bases within chr1:40,822,313-40,822,323 gives the same sequence; the c. name uses the placement nearest the transcript's 3' end. VCF-style (leftmost placement, unchanged base first): chr1-40822312-AGGCTGCCT-A. GRCh37 (hg19) VCF-style: chr1-41287984-AGGCTGCCT-A.
Other names: c.1044_1051del8 (NM_004700.2).
Identifiers: ClinVar variation 208372 (VCV000208372.1), dbSNP rs797044972, ClinGen allele CA347432.

ClinVar aggregate classification (germline): Pathogenic (0 of 4 stars; one submission).

Conditions:
Autosomal dominant nonsyndromic hearing loss 2A. Also called: Deafness, autosomal dominant 2A; DFNA2 Nonsyndromic Hearing Loss; Autosomal dominant nonsyndromic deafness 2A. Identifiers: Orphanet 90635, MedGen C2677637, MONDO:0010817, OMIM 600101.

Submission:

ClinVar Staff, National Center for Biotechnology Information (NCBI)
Classification: Pathogenic for Autosomal dominant nonsyndromic hearing loss 2A. Last evaluated: 2015-08-20. Review status: no assertion criteria provided. Collection method: literature only. Allele origin: germline. Affected: yes.
Comment: This variant used to be reported in GeneReviews NBK1209.

Literature cited by the submitters: PubMed 26036578; PubMed 20301388.